The following is an entry in ClinVar:

ClinVar aggregate classification (germline): Uncertain significance. Review status: criteria provided, single submitter (1 of 4 stars). 2 submissions from 1 submitter: Uncertain significance (2). Last evaluated 2022-09-07.

Conditions:
Inborn genetic diseases. Identifiers: MedGen C0950123, MeSH D030342.
Hereditary cancer-predisposing syndrome. Also called: Hereditary Cancer Syndrome; Neoplastic Syndromes, Hereditary; Tumor predisposition; Hereditary neoplastic syndrome. Identifiers: Orphanet 140162, MedGen C0027672, MeSH D009386, MONDO:0015356.

Allele frequency attached by ClinVar (database versions not stated): gnomAD exomes 0.00001.
gnomAD v4.1: 8 of 1,612,672 alleles (0.0005%); highest among the groups gnomAD compares: Non-Finnish European, 0.00068%; no homozygotes.

Submissions (2):

Ambry Genetics
Classification: Uncertain significance for Inborn genetic diseases. Last evaluated: 2022-09-07. Review status: criteria provided, single submitter. Criteria: Ambry General Variant Classification Scheme_2022. Collection method: clinical testing. Allele origin: germline. Observed: 1 variant allele.

Ambry Genetics
Classification: Uncertain significance for Hereditary cancer-predisposing syndrome. Last evaluated: 2022-04-30. Review status: criteria provided, single submitter. Criteria: Ambry General Variant Classification Scheme_2022. Collection method: clinical testing. Allele origin: germline. Observed: 1 variant allele.
Comment: The p.G398R variant (also known as c.1192G>A), located in coding exon 4 of the PALLD gene, results from a G to A substitution at nucleotide position 1192. The glycine at codon 398 is replaced by arginine, an amino acid with dissimilar properties. This amino acid position is conserved. In addition, this alteration is predicted to be deleterious by in silico analysis. Since supporting evidence is limited at this time, the clinical significance of this alteration remains unclear.

NM_001166108.2(PALLD):c.1192G>A (p.Gly398Arg)

Gene: PALLD (palladin, cytoskeletal associated protein; plus strand). Cytogenetic location: 4q32.3.
Variant type: single nucleotide variant.
Coding change: c.1192G>A on transcript NM_001166108.2 (MANE Select); coding-DNA position 1192, G replaced by A.
Protein change: p.Gly398Arg; replaces glycine 398 with arginine.
Molecular consequence: missense variant.
Genome position (GRCh38, 1-based): chr4:168,683,035, G>A. VCF-style: chr4-168683035-G-A. GRCh37 (hg19) VCF-style: chr4-169604186-G-A.
Other names: c.46G>A, p.Gly16Arg (NM_001166109.2); c.1192G>A, p.Gly398Arg (NM_016081.4); c.1192G>A (NM_001166108.1); short protein forms G16R, G398R.
Identifiers: ClinVar variation 1745293 (VCV001745293.3), dbSNP rs2531590716, ClinGen allele CA358794222.